The following is an entry in ClinVar:

ClinVar aggregate classification (germline): Uncertain significance. Review status: criteria provided, multiple submitters, no conflicts (2 of 4 stars). 2 submissions from 2 submitters: Uncertain significance (2). Last evaluated 2025-04-02.

Conditions:
Hereditary cancer-predisposing syndrome. Also called: Neoplastic Syndromes, Hereditary; Hereditary Cancer Syndrome; Hereditary neoplastic syndrome; Tumor predisposition. Identifiers: Orphanet 140162, MedGen C0027672, MeSH D009386, MONDO:0015356.
Gastrointestinal stromal tumor. Also called: Gastrointestinal stromal tumor, somatic; Gastrointestinal stroma tumor. Identifiers: Orphanet 44890, MedGen C0238198, MeSH D046152, MONDO:0011719, OMIM 606764, HP:0100723.

Submissions (2):

Ambry Genetics
Classification: Uncertain significance for Hereditary cancer-predisposing syndrome. Last evaluated: 2025-04-02. Review status: criteria provided, single submitter. Criteria: Ambry Variant Classification Scheme 2023. Collection method: clinical testing. Allele origin: germline.
Comment: The p.G853D variant (also known as c.2558G>A), located in coding exon 17 of the PDGFRA gene, results from a G to A substitution at nucleotide position 2558. The glycine at codon 853 is replaced by aspartic acid, an amino acid with similar properties. This amino acid position is highly conserved in available vertebrate species. In addition, this alteration is predicted to be deleterious by in silico analysis. Based on the available evidence, the clinical significance of this variant remains unclear.

Labcorp Genetics (formerly Invitae), Labcorp
Classification: Uncertain significance for Gastrointestinal stromal tumor. Last evaluated: 2024-04-16. Review status: criteria provided, single submitter. Criteria: Invitae Variant Classification Sherloc (09022015). Collection method: clinical testing. Allele origin: germline.
Comment: This sequence change replaces glycine, which is neutral and non-polar, with aspartic acid, which is acidic and polar, at codon 853 of the PDGFRA protein (p.Gly853Asp). This variant is not present in population databases (gnomAD no frequency). This variant has not been reported in the literature in individuals affected with PDGFRA-related conditions. ClinVar contains an entry for this variant (Variation ID: 376185). Advanced modeling of protein sequence and biophysical properties (such as structural, functional, and spatial information, amino acid conservation, physicochemical variation, residue mobility, and thermodynamic stability) performed at Invitae indicates that this missense variant is not expected to disrupt PDGFRA protein function with a negative predictive value of 80%. Experimental studies have shown that this missense change affects PDGFRA function (PMID: 24132921). In summary, the available evidence is currently insufficient to determine the role of this variant in disease. Therefore, it has been classified as a Variant of Uncertain Significance.

Literature cited by the submitters: PubMed 24132921 (cited by Labcorp Genetics (formerly Invitae), Labcorp).

NM_006206.6(PDGFRA):c.2558G>A (p.Gly853Asp)

Gene: PDGFRA (platelet derived growth factor receptor alpha; plus strand). Cytogenetic location: 4q12.
Variant type: single nucleotide variant.
Coding change: c.2558G>A on transcript NM_006206.6 (MANE Select); coding-DNA position 2558, G replaced by A.
Protein change: p.Gly853Asp; replaces glycine 853 with aspartic acid.
Molecular consequence: missense variant.
Genome position (GRCh38, 1-based): chr4:54,285,959, G>A. VCF-style: chr4-54285959-G-A. GRCh37 (hg19) VCF-style: chr4-55152126-G-A.
Other names: c.2633G>A, p.Gly878Asp (NM_001347828.2); c.2558G>A, p.Gly853Asp (NM_001347829.2); c.2597G>A, p.Gly866Asp (NM_001347830.2); c.2558G>A (NM_006206.4); short protein forms G853D, G866D, G878D.
Identifiers: ClinVar variation 376185 (VCV000376185.7), dbSNP rs763576329, ClinGen allele CA16602640.